The following is an entry in ClinVar:

ClinVar aggregate classification (germline): Likely pathogenic (1 of 4 stars; one submission).

Conditions:
Nemaline myopathy 2 (NEM2). Also called: Nemaline myopathy 2, autosomal recessive. Identifiers: MedGen C1850569, MONDO:0009725, OMIM 256030.

Submission:

Myriad Genetics, Inc.
Classification: Likely pathogenic for Nemaline myopathy 2. Last evaluated: 2022-03-31. Review status: criteria provided, single submitter. Criteria: Myriad Women's Health Autosomal Recessive and X-Linked Classification Criteria (2021). Collection method: clinical testing. Allele origin: unknown.
Comment: NM_001271208.1(NEB):c.8111_8112delAT(D2704Vfs*25) is expected to be pathogenic in the context of NEB-related nemaline myopathy. This variant is predicted to lead to an abnormal or absent protein product due to the creation of a premature termination codon in NEB, a gene where loss-of-function variants are known to be pathogenic. Please note: this variant was assessed in the context of healthy population screening.

NM_001164508.2(NEB):c.8111_8112del (p.Asp2704fs)

Gene: NEB (nebulin; minus strand). Cytogenetic location: 2q23.3.
Variant type: Deletion.
Coding change: c.8111_8112del on transcript NM_001164508.2 (MANE Select); coding-DNA positions 8111 to 8112, 2 bases deleted (AT; older notation c.8111_8112delAT).
Protein change: p.Asp2704fs; shifts the reading frame from aspartic acid 2704.
Molecular consequence: frameshift variant.
Genome position (GRCh38, 1-based): chr2:151,643,198-151,643,199, AT deleted on the plus strand (AT on the coding strand, the reverse complement: NEB is on the minus strand). VCF-style (leftmost placement, unchanged base first): chr2-151643197-AAT-A. GRCh37 (hg19) VCF-style: chr2-152499711-AAT-A.
Other names: c.8111_8112del, p.Asp2704fs (NM_001164507.2, NM_001271208.2, NM_004543.5); short protein forms D2704fs.
Identifiers: ClinVar variation 1725736 (VCV001725736.2), dbSNP rs2552246954, ClinGen allele CA2580063993.